The following is an entry in ClinVar:

ClinVar aggregate classification (germline): Uncertain significance (1 of 4 stars; one submission).

Conditions:
Primary ciliary dyskinesia. Also called: Ciliary dyskinesia. Identifiers: Orphanet 244, MedGen C0008780, MONDO:0016575, HP:0012265.

gnomAD v4.1: 1 of 1,614,022 alleles (0.000062%); highest among the groups gnomAD compares: South Asian, 0.0011%; no homozygotes.

Submission:

Labcorp Genetics (formerly Invitae), Labcorp
Classification: Uncertain significance for Primary ciliary dyskinesia. Last evaluated: 2021-08-02. Review status: criteria provided, single submitter. Criteria: Invitae Variant Classification Sherloc (09022015). Collection method: clinical testing. Allele origin: germline.
Comment: This variant has not been reported in the literature in individuals affected with DNAH8-related conditions. Algorithms developed to predict the effect of missense changes on protein structure and function are either unavailable or do not agree on the potential impact of this missense change (SIFT: "Deleterious"; PolyPhen-2: "Not Available"; Align-GVGD: "Class C0"). In summary, the available evidence is currently insufficient to determine the role of this variant in disease. Therefore, it has been classified as a Variant of Uncertain Significance. This sequence change replaces glycine with aspartic acid at codon 2317 of the DNAH8 protein (p.Gly2317Asp). The glycine residue is highly conserved and there is a moderate physicochemical difference between glycine and aspartic acid. This variant is not present in population databases (ExAC no frequency).

NM_001206927.2(DNAH8):c.6950G>A (p.Gly2317Asp)

Gene: DNAH8 (dynein axonemal heavy chain 8; plus strand). Cytogenetic location: 6p21.2.
Variant type: single nucleotide variant.
Coding change: c.6950G>A on transcript NM_001206927.2 (MANE Select); coding-DNA position 6950, G replaced by A.
Protein change: p.Gly2317Asp; replaces glycine 2317 with aspartic acid.
Molecular consequence: missense variant.
Genome position (GRCh38, 1-based): chr6:38,870,522, G>A. VCF-style: chr6-38870522-G-A. GRCh37 (hg19) VCF-style: chr6-38838298-G-A.
Other names: c.6299G>A, p.Gly2100Asp (NM_001371.4); short protein forms G2100D, G2317D.
Identifiers: ClinVar variation 1469603 (VCV001469603.6), dbSNP rs1307310167, ClinGen allele CA364026318.
Genomic context (GRCh38, chr6:38,870,522, plus strand): 5'-TGGATAGTAATACTTATGCAGAACTGCAAAACGCAGTAGCCCATCAGGTTCAGATAGAGG[G>A]TTTGATTAACCATCCACCCTGGAACCTGAAACTCGTGCAGGTAAAGACATTTTAATCTAT-3'
Protein context (NP_001193856.1, residues 2307-2327): NAVAHQVQIE[Gly2317Asp]LINHPPWNLK